The following is an entry in ClinVar:

NM_006019.4(TCIRG1):c.574G>A (p.Gly192Ser)

Gene: TCIRG1 (T cell immune regulator 1, ATPase H+ transporting V0 subunit a3; plus strand). Cytogenetic location: 11q13.2.
Variant type: single nucleotide variant.
Coding change: c.574G>A on transcript NM_006019.4 (MANE Select); coding-DNA position 574, G replaced by A.
Protein change: p.Gly192Ser; replaces glycine 192 with serine.
Molecular consequence: missense variant. On other transcripts: 5 prime UTR variant (2).
Genome position (GRCh38, 1-based): chr11:68,043,441, G>A. VCF-style: chr11-68043441-G-A. GRCh37 (hg19) VCF-style: chr11-67810908-G-A.
Other names: c.-337G>A (NM_001351059.2); c.-75G>A (NM_006053.4); short protein forms G192S.
Identifiers: ClinVar variation 884103 (VCV000884103.6), dbSNP rs371658110, ClinGen allele CA6146747.

ClinVar aggregate classification (germline): Uncertain significance. Review status: criteria provided, multiple submitters, no conflicts (2 of 4 stars). 2 submissions from 2 submitters: Uncertain significance (2). Last evaluated 2022-07-22.

Conditions:
Autosomal recessive osteopetrosis 1. Also called: ALBERS-SCHONBERG DISEASE, AUTOSOMAL RECESSIVE; TCIRG1-Related Osteopetrosis; TCIRG1-Related Autosomal Recessive Osteopetrosis. Identifiers: Orphanet 667, MedGen C1850127, MONDO:0009815, OMIM 259700.

Allele frequency attached by ClinVar (database versions not stated): gnomAD exomes 0.00006; gnomAD 0.00007 and 0.00009; TOPMed 0.00007; ExAC 0.00024; ESP Exome Variant Server 0.00025.
gnomAD v4.1: 176 of 1,549,258 alleles (0.011%); highest among the groups gnomAD compares: Non-Finnish European, 0.014%; no homozygotes.

Submissions (2):

Labcorp Genetics (formerly Invitae), Labcorp
Classification: Uncertain significance. Last evaluated: 2022-07-22. Review status: criteria provided, single submitter. Criteria: Invitae Variant Classification Sherloc (09022015). Collection method: clinical testing. Allele origin: germline.
Comment: This sequence change replaces glycine, which is neutral and non-polar, with serine, which is neutral and polar, at codon 192 of the TCIRG1 protein (p.Gly192Ser). This variant is present in population databases (rs371658110, gnomAD 0.01%). This variant has not been reported in the literature in individuals affected with TCIRG1-related conditions. ClinVar contains an entry for this variant (Variation ID: 884103). Algorithms developed to predict the effect of missense changes on protein structure and function are either unavailable or do not agree on the potential impact of this missense change (SIFT: "Tolerated"; PolyPhen-2: "Probably Damaging"; Align-GVGD: "Class C0"). In summary, the available evidence is currently insufficient to determine the role of this variant in disease. Therefore, it has been classified as a Variant of Uncertain Significance.

Illumina Laboratory Services, Illumina
Classification: Uncertain significance for Autosomal recessive osteopetrosis 1. Last evaluated: 2018-01-13. Review status: criteria provided, single submitter. Criteria: ICSL Variant Classification Criteria 13 December 2019. Collection method: clinical testing. Allele origin: germline.